The following is an entry in ClinVar:

NM_138713.4(NFAT5):c.2351A>T (p.Asn784Ile)

Gene: NFAT5 (nuclear factor of activated T cells 5; plus strand). Cytogenetic location: 16q22.1.
Variant type: single nucleotide variant.
Coding change: c.2351A>T on transcript NM_138713.4 (MANE Select); coding-DNA position 2351, A replaced by T.
Protein change: p.Asn784Ile; replaces asparagine 784 with isoleucine.
Molecular consequence: missense variant.
Genome position (GRCh38, 1-based): chr16:69,692,176, A>T. VCF-style: chr16-69692176-A-T. GRCh37 (hg19) VCF-style: chr16-69726079-A-T.
Other names: c.2348A>T, p.Asn783Ile (NM_001113178.3); c.1676A>T, p.Asn559Ile (NM_001367709.1); c.2297A>T, p.Asn766Ile (NM_006599.4); c.2069A>T, p.Asn690Ile (NM_138714.4, NM_173214.3, NM_173215.3); short protein forms N559I, N766I, N783I, N784I, N690I.
Identifiers: ClinVar variation 3643149 (VCV003643149.2).

ClinVar aggregate classification (germline): Uncertain significance (1 of 4 stars; one submission).

Conditions:
Immunodeficiency. Identifiers: MedGen C0021051, MONDO:0021094, HP:0002721.

Submission:

Labcorp Genetics (formerly Invitae), Labcorp
Classification: Uncertain significance for Immunodeficiency. Last evaluated: 2024-03-03. Review status: criteria provided, single submitter. Criteria: Invitae Variant Classification Sherloc (09022015). Collection method: clinical testing. Allele origin: germline.
Comment: This sequence change replaces asparagine, which is neutral and polar, with isoleucine, which is neutral and non-polar, at codon 690 of the NFAT5 protein (p.Asn690Ile). This variant is not present in population databases (gnomAD no frequency). This variant has not been reported in the literature in individuals affected with NFAT5-related conditions. An algorithm developed to predict the effect of missense changes on protein structure and function (PolyPhen-2) suggests that this variant is likely to be tolerated. In summary, the available evidence is currently insufficient to determine the role of this variant in disease. Therefore, it has been classified as a Variant of Uncertain Significance.